The following is an entry in ClinVar:

NM_000059.4(BRCA2):c.241T>A (p.Phe81Ile)

Gene: BRCA2 (BRCA2 DNA repair associated; plus strand). Cytogenetic location: 13q13.1.
Variant type: single nucleotide variant.
Coding change: c.241T>A on transcript NM_000059.4 (MANE Select); coding-DNA position 241, T replaced by A.
Protein change: p.Phe81Ile; replaces phenylalanine 81 with isoleucine.
Molecular consequence: missense variant.
Genome position (GRCh38, 1-based): chr13:32,319,250, T>A. VCF-style: chr13-32319250-T-A. GRCh37 (hg19) VCF-style: chr13-32893387-T-A.
Other names: p.F81I:TTC>ATC; 469T>A; short protein forms F81I.
Identifiers: ClinVar variation 37785 (VCV000037785.54), dbSNP rs80358507, ClinGen allele CA015198.
Genomic context (GRCh38, chr13:32,319,250, plus strand): 5'-CTATTTAAAACTCCACAAAGGAAACCATCTTATAATCAGCTGGCTTCAACTCCAATAATA[T>A]TCAAAGAGCAAGGGCTGACTCTGCCGCTGTACCAATCTCCTGTAAAAGAATTAGATAAAT-3'
Protein context (NP_000050.3, residues 71-91): YNQLASTPII[Phe81Ile]KEQGLTLPLY

ClinVar aggregate classification (germline): Conflicting classifications of pathogenicity. Review status: criteria provided, conflicting classifications (1 of 4 stars). 17 submissions from 17 submitters: Uncertain significance (8); Likely benign (4). 5 of the submissions do not count toward it. Last evaluated 2025-11-30.

Conditions:
BRCA2-related cancer predisposition. Identifiers: MedGen CN377758, MONDO:0700269.
Hereditary cancer-predisposing syndrome. Also called: Neoplastic Syndromes, Hereditary; Tumor predisposition; Hereditary Cancer Syndrome; Hereditary neoplastic syndrome. Identifiers: Orphanet 140162, MedGen C0027672, MeSH D009386, MONDO:0015356.
Hereditary breast ovarian cancer syndrome. Also called: Hereditary breast and ovarian cancer; Breast and ovarian cancer; Hereditary breast and/or ovarian cancer syndrome; Hereditary breast and ovarian cancer syndrome (HBOC); Hereditary breast and ovarian cancer syndrome; BRCA1- and BRCA2-Associated Hereditary Breast and Ovarian Cancer. Identifiers: Orphanet 145, MedGen C0677776, MeSH D061325, MONDO:0003582. Disease mechanism: loss of function.
Breast-ovarian cancer, familial, susceptibility to, 2 (BROVCA2). Also called: BRCA2 Hereditary Breast and Ovarian Cancer. Identifiers: Orphanet 145, MedGen C2675520, MONDO:0012933, OMIM 612555. Disease mechanism: loss of function.

Allele frequency attached by ClinVar (database versions not stated): TOPMed 0.00002.
gnomAD v4.1: 58 of 1,613,700 alleles (0.0036%); highest among the groups gnomAD compares: Non-Finnish European, 0.0048%; no homozygotes.

Submissions (17):

Labcorp Genetics (formerly Invitae), Labcorp
Classification: Likely benign for Hereditary breast ovarian cancer syndrome. Last evaluated: 2025-11-30. Review status: criteria provided, single submitter. Criteria: Invitae Variant Classification Sherloc (09022015). Collection method: clinical testing. Allele origin: germline.

Color Diagnostics, LLC DBA Color Health
Classification: Likely benign for Hereditary cancer-predisposing syndrome. Last evaluated: 2024-11-26. Review status: criteria provided, single submitter. Criteria: ACMG Guidelines, 2015. Collection method: clinical testing. Allele origin: germline.

CeGaT Center for Human Genetics Tuebingen
Classification: Likely benign. Last evaluated: 2024-07-01. Review status: criteria provided, single submitter. Criteria: CeGaT Center For Human Genetics Tuebingen Variant Classification Criteria Version 2. Collection method: clinical testing. Allele origin: germline. Affected: yes. Observed: 1 variant allele.
Comment: BRCA2: BP1, BP4

Quest Diagnostics Nichols Institute San Juan Capistrano
Classification: Uncertain significance. Last evaluated: 2024-03-21. Review status: criteria provided, single submitter. Criteria: Quest Diagnostics criteria. Collection method: clinical testing. Allele origin: unknown.
Comment: The BRCA2 c.241T>A (p.Phe81Ile) variant has been reported in individuals with prostate cancer (PMID: 21952622 (2011)) and melanoma (PMID: 31464824 (2019)). It has also been reported in individuals with breast cancer as well as in reportedly healthy individuals in a breast cancer association study (PMID: 33471991 (2021), see also LOVD). The frequency of this variant in the general population, 0.000053 (6/113686 chromosomes (Genome Aggregation Database)), is uninformative in the assessment of its pathogenicity. Analysis of this variant using bioinformatics tools for the prediction of the effect of amino acid changes on protein structure and function yielded predictions that this variant is damaging. Based on the available information, we are unable to determine the clinical significance of this variant.

All of Us Research Program, National Institutes of Health
Classification: Uncertain significance for BRCA2-related cancer predisposition. Last evaluated: 2024-03-05. Review status: criteria provided, single submitter. Criteria: ACMG Guidelines, 2015. Collection method: clinical testing. Allele origin: germline. Inheritance: Autosomal dominant inheritance. Observed: 3 variant alleles, 3 heterozygotes.
Comment: This missense variant replaces phenylalanine with isoleucine at codon 81 of the BRCA2 protein. Computational prediction suggests that this variant may not impact protein structure and function (internally defined REVEL score threshold <= 0.5, PMID: 27666373). In a functional study, this variant showed 72% homology-directed repair capacity of wild-type BRCA2 (PMID: 35979650). This variant has been detected in a breast cancer case-control meta-analysis in 6/60463 cases and 2/53461 unaffected individuals (PMID: 33471991; Leiden Open Variation Database DB-ID BRCA2_001289) and also in an individual affected with prostate cancer (PMID: 21952622). This variant also has been reported in 1 individual age 70 years or older without cancer in the FLOSSIES database and in 6/251364 chromosomes in the general population by the Genome Aggregation Database (gnomAD). The available evidence is insufficient to determine the role of this variant in disease conclusively. Therefore, this variant is classified as a Variant of Uncertain Significance.

This study involves interpretation of variants in research participants for the purpose of population health screening. Participant phenotype was not available at the time of variant classification. Additional details can be found in publication PMID: 35346344, PMCID: PMC8962531

GeneDx
Classification: Uncertain significance. Last evaluated: 2023-11-29. Review status: criteria provided, single submitter. Criteria: GeneDx Variant Classification Process June 2021. Collection method: clinical testing. Allele origin: germline. Affected: yes.
Comment: Observed in individuals with breast cancer, prostate cancer, or melanoma (PMID: 21952622, 31464824, 33471991); In silico analysis supports that this missense variant does not alter protein structure/function; Also known as 469T>A; This variant is associated with the following publications: (PMID: 21952622, 32641407, 25348012, 33471991, 31464824, 34326862)

Blueprint Genetics
Classification: Uncertain significance. Last evaluated: 2023-11-23. Review status: criteria provided, single submitter. Criteria: ACMG Guidelines, 2015. Collection method: clinical testing. Allele origin: germline.

Women's Health and Genetics/Laboratory Corporation of America, LabCorp
Classification: Uncertain significance. Last evaluated: 2022-09-12. Review status: criteria provided, single submitter. Criteria: LabCorp Variant Classification Summary - May 2015. Collection method: clinical testing. Allele origin: germline.
Comment: Variant summary: BRCA2 c.241T>A (p.Phe81Ile) results in a non-conservative amino acid change in the encoded protein sequence. Four of five in-silico tools predict a damaging effect of the variant on protein function. The variant allele was found at a frequency of 2.4e-05 in 251364 control chromosomes (gnomAD). The available data on variant occurrences in the general population are insufficient to allow any conclusion about variant significance. c.241T>A has been reported in the literature in individuals affected with various cancers, including prostate cancer (Kote-Jarai_2011, Johansson_2019), breast cancer (Dorling_2021) and cutaneous melanoma (Johansson_2019). The variant was also found at a carrier frequency of 0.0001365 in European American women over the age of 70 without history of cancer (FLOSSIES database). These reports do not provide unequivocal conclusions about association of the variant with Hereditary Breast And Ovarian Cancer Syndrome. To our knowledge, no experimental evidence demonstrating an impact on protein function has been reported, and a minigene splicing assay demonstrated that the variant had no impact splicing (Tubeuf_2020). Seven ClinVar submitters have assessed the variant since 2014: five classified the variant as uncertain significance and two as likely benign. Based on the evidence outlined above, the variant was classified as uncertain significance.

Human Genetics Bochum, Ruhr University Bochum
Classification: Uncertain significance for Breast-ovarian cancer, familial, susceptibility to, 2. Last evaluated: 2022-08-01. Review status: criteria provided, single submitter. Criteria: ACMG Guidelines, 2015. Collection method: clinical testing. Allele origin: germline. Affected: yes.
Comment: ACMG criteria used to clasify this variant: PM2, BP4

Sema4
Classification: Uncertain significance for Hereditary cancer-predisposing syndrome. Last evaluated: 2022-01-04. Review status: criteria provided, single submitter. Criteria: Sema4 Curation Guidelines. Collection method: curation. Allele origin: germline.
Comment: The BRCA2 c.241T>A (p.F81I) variant has been reported in heterozygosity in individuals with breast cancer, prostate cancer, and melanoma (PMID: 33471991, 21952622, 31464824). It is reported in 6 cases and 2 controls in a large dataset of 60,466 women with breast cancer and 53,461controls (PMID 33471991). It was observed in 6/113686 chromosomes of the Non-Finnish European subpopulation in the large and broad cohorts of the Genome Aggregation Database (PMID: 32461654). The variant has been reported in ClinVar (Variation ID 37785). Functional studies have not been performed, and in silico predictions of the variant's effect on protein function are inconclusive. The evidence is insufficient to meet ACMG/AMP criteria for classifying the variant as benign or pathogenic. Thus, the clinical significance of this variant is currently uncertain.

Ambry Genetics
Classification: Likely benign for Hereditary cancer-predisposing syndrome. Last evaluated: 2019-01-07. Review status: criteria provided, single submitter. Criteria: Ambry Variant Classification Scheme 2023. Collection method: clinical testing. Allele origin: germline.

Mendelics
Classification: Uncertain significance for Hereditary breast and ovarian cancer syndrome. Last evaluated: 2018-07-02. Review status: criteria provided, single submitter. Criteria: Mendelics Assertion Criteria 2017. Collection method: clinical testing. Allele origin: unknown.

Counsyl
Classification: Uncertain significance for Breast-ovarian cancer, familial, susceptibility to, 2. Last evaluated: 2017-01-18. Review status: no assertion criteria provided. Collection method: clinical testing. Allele origin: unknown. Not counted in ClinVar's aggregate classification.

Sharing Clinical Reports Project (SCRP)
Classification: Benign for Breast-ovarian cancer, familial 2. Last evaluated: 2010-06-04. Review status: no assertion criteria provided. Collection method: clinical testing. Allele origin: germline. Not counted in ClinVar's aggregate classification.

Breast Cancer Information Core (BIC) (BRCA2)
Classification: Uncertain significance for Breast-ovarian cancer, familial 2. Last evaluated: 2004-02-20. Review status: no assertion criteria provided. Collection method: clinical testing. Allele origin: germline. Affected: yes. Observed: 3 variant alleles. Not counted in ClinVar's aggregate classification.

Clinical Genetics DNA and cytogenetics Diagnostics Lab, Erasmus MC, Erasmus Medical Center
Classification: Likely benign. Review status: no assertion criteria provided. Collection method: clinical testing. Allele origin: germline. Affected: yes. Study: VKGL Data-share Consensus. Not counted in ClinVar's aggregate classification.

Joint Genome Diagnostic Labs from Nijmegen and Maastricht, Radboudumc and MUMC+
Classification: Likely benign. Review status: no assertion criteria provided. Collection method: clinical testing. Allele origin: germline. Affected: yes. Study: VKGL Data-share Consensus. Not counted in ClinVar's aggregate classification.

Literature cited by the submitters: PubMed 33471991 (cited by 4 submitters); PubMed 32641407 (cited by Quest Diagnostics Nichols Institute San Juan Capistrano and Women's Health and Genetics/Laboratory Corporation of America, LabCorp); PubMed 31464824 (cited by 3 submitters); PubMed 21952622 (cited by 5 submitters); PubMed 35979650 (cited by All of Us Research Program, National Institutes of Health); PubMed 25348012 (cited by Counsyl).